The following is an entry in ClinVar:

NM_001005242.3(PKP2):c.1064G>A (p.Arg355Gln)

Gene: PKP2 (plakophilin 2; minus strand). Cytogenetic location: 12p11.21.
Variant type: single nucleotide variant.
Coding change: c.1064G>A on transcript NM_001005242.3 (MANE Select); coding-DNA position 1064, G replaced by A.
Protein change: p.Arg355Gln; replaces arginine 355 with glutamine.
Molecular consequence: missense variant.
Genome position (GRCh38, 1-based): chr12:32,869,033, C>T on the plus strand (G>A on the coding strand, the complement: PKP2 is on the minus strand). VCF-style: chr12-32869033-C-T. GRCh37 (hg19) VCF-style: chr12-33021967-C-T.
Other names: c.1064G>A, p.Arg355Gln (NM_004572.4); short protein forms R355Q.
Identifiers: ClinVar variation 571033 (VCV000571033.23), dbSNP rs370868564, ClinGen allele CA026975.

ClinVar aggregate classification (germline): Uncertain significance. Review status: criteria provided, multiple submitters, no conflicts (2 of 4 stars). 6 submissions from 6 submitters: Uncertain significance (6). Last evaluated 2026-01-21.

Conditions:
Cardiovascular phenotype. Identifiers: MedGen CN230736.
Cardiomyopathy (CMYO). Also called: Cardiomyopathies. Identifiers: Orphanet 167848, MedGen C0878544, MONDO:0004994, HP:0001638. Inheritance: Various modes of inheritance.
Arrhythmogenic right ventricular dysplasia 9 (ARVD9). Also called: Arrhythmogenic Right Ventricular Dysplasia/Cardiomyopathy 9; ARRHYTHMOGENIC RIGHT VENTRICULAR DYSPLASIA, FAMILIAL, 9. Identifiers: MedGen C1836906, MONDO:0012180, OMIM 609040.
Arrhythmogenic right ventricular cardiomyopathy (ARVD). Also called: Arrhythmogenic cardiomyopathy; Arrhythmogenic Right Ventricular Cardiomyopathy (ARVC); Cardiomyopathy, ARVC; Arrhythmogenic right ventricular dysplasia. Identifiers: Orphanet 247, MedGen C0349788, MeSH D019571, MONDO:0016587. Disease mechanism: loss of function. Inheritance: Various modes of inheritance.

Allele frequency attached by ClinVar (database versions not stated): ExAC 0.00002; gnomAD exomes 0.00002; TOPMed 0.00003; gnomAD 0.00004; ESP Exome Variant Server 0.00008.
gnomAD v4.1: 33 of 1,613,852 alleles (0.002%); highest among the groups gnomAD compares: African/African-American, 0.0053%; no homozygotes.

Submissions (6):

Labcorp Genetics (formerly Invitae), Labcorp
Classification: Uncertain significance for Arrhythmogenic right ventricular dysplasia 9. Last evaluated: 2026-01-21. Review status: criteria provided, single submitter. Criteria: Invitae Variant Classification Sherloc (09022015). Collection method: clinical testing. Allele origin: germline.
Comment: This sequence change replaces arginine, which is basic and polar, with glutamine, which is neutral and polar, at codon 355 of the PKP2 protein (p.Arg355Gln). This variant is present in population databases (rs370868564, gnomAD 0.005%). This variant has not been reported in the literature in individuals affected with PKP2-related conditions. ClinVar contains an entry for this variant (Variation ID: 571033). An algorithm developed to predict the effect of missense changes on protein structure and function (PolyPhen-2) suggests that this variant is likely to be disruptive. In summary, the available evidence is currently insufficient to determine the role of this variant in disease. Therefore, it has been classified as a Variant of Uncertain Significance.

All of Us Research Program, National Institutes of Health
Classification: Uncertain significance for Arrhythmogenic right ventricular cardiomyopathy. Last evaluated: 2024-09-23. Review status: criteria provided, single submitter. Criteria: ACMG Guidelines, 2015. Collection method: clinical testing. Allele origin: germline. Inheritance: Autosomal dominant inheritance. Observed: 5 variant alleles, 5 heterozygotes.
Comment: This missense variant replaces arginine with glutamine at codon 355 of the PKP2 protein. Computational prediction tool suggests that this variant may not impact protein structure and function (internally defined REVEL score threshold <=0.5, PMID: 27666373). Splice site prediction tools suggest that this variant may not impact RNA splicing. To our knowledge, functional studies have not been performed for this variant. This variant has not been reported in individuals affected with cardiovascular disorders in the literature. This variant has been identified in 6/282656 chromosomes in the general population by the Genome Aggregation Database (gnomAD). The available evidence is insufficient to determine the role of this variant in disease conclusively. Therefore, this variant is classified as a Variant of Uncertain Significance.

This study involves interpretation of variants in research participants for the purpose of population health screening. Participant phenotype was not available at the time of variant classification. Additional details can be found in publication PMID: 35346344, PMCID: PMC8962531

Color Diagnostics, LLC DBA Color Health
Classification: Uncertain significance for Cardiomyopathy. Last evaluated: 2024-03-06. Review status: criteria provided, single submitter. Criteria: ACMG Guidelines, 2015. Collection method: clinical testing. Allele origin: germline.
Comment: This missense variant replaces arginine with glutamine at codon 355 of the PKP2 protein. Computational prediction suggests that this variant may not impact protein structure and function (internally defined REVEL score threshold <= 0.5, PMID: 27666373). To our knowledge, functional studies have not been reported for this variant. This variant has not been reported in individuals affected with cardiovascular disorders in the literature. This variant has been identified in 6/282656 chromosomes in the general population by the Genome Aggregation Database (gnomAD). The available evidence is insufficient to determine the role of this variant in disease conclusively. Therefore, this variant is classified as a Variant of Uncertain Significance.

GeneDx
Classification: Uncertain significance. Last evaluated: 2023-10-24. Review status: criteria provided, single submitter. Criteria: GeneDx Variant Classification Process June 2021. Collection method: clinical testing. Allele origin: germline. Affected: yes.
Comment: Has not been previously published as pathogenic or benign to our knowledge; In silico analysis supports that this missense variant does not alter protein structure/function

Ambry Genetics
Classification: Uncertain significance for Cardiovascular phenotype. Last evaluated: 2023-06-22. Review status: criteria provided, single submitter. Criteria: Ambry Variant Classification Scheme 2023. Collection method: clinical testing. Allele origin: germline.
Comment: The p.R355Q variant (also known as c.1064G>A), located in coding exon 4 of the PKP2 gene, results from a G to A substitution at nucleotide position 1064. The arginine at codon 355 is replaced by glutamine, an amino acid with highly similar properties. This amino acid position is well conserved in available vertebrate species. In addition, this alteration is predicted to be tolerated by in silico analysis. Since supporting evidence is limited at this time, the clinical significance of this alteration remains unclear.

Illumina Laboratory Services, Illumina
Classification: Uncertain significance for Arrhythmogenic right ventricular dysplasia 9. Last evaluated: 2018-03-02. Review status: criteria provided, single submitter. Criteria: ICSL Variant Classification Criteria 13 December 2019. Collection method: clinical testing. Allele origin: germline.